The following is an entry in ClinVar:

NM_001006630.2(CHRM2):c.971G>A (p.Cys324Tyr)

Genes: CHRM2 (cholinergic receptor muscarinic 2; plus strand), LOC349160 (uncharacterized LOC349160; minus strand). Cytogenetic location: 7q33.
Variant type: single nucleotide variant.
Coding change: c.971G>A on transcript NM_001006630.2 (MANE Select); coding-DNA position 971, G replaced by A.
Protein change: p.Cys324Tyr; replaces cysteine 324 with tyrosine.
Molecular consequence: missense variant.
Genome position (GRCh38, 1-based): chr7:137,015,836, G>A. VCF-style: chr7-137015836-G-A. GRCh37 (hg19) VCF-style: chr7-136700583-G-A.
Other names: c.971G>A, p.Cys324Tyr (NM_000739.3, NM_001006626.3, NM_001006627.3 and 6 more transcripts); short protein forms C324Y.
Identifiers: ClinVar variation 4786663 (VCV004786663.1).

ClinVar aggregate classification (germline): Uncertain significance (1 of 4 stars; one submission).

Submission:

Labcorp Genetics (formerly Invitae), Labcorp
Classification: Uncertain significance. Last evaluated: 2025-11-10. Review status: criteria provided, single submitter. Criteria: Invitae Variant Classification Sherloc (09022015). Collection method: clinical testing. Allele origin: germline.
Comment: This sequence change replaces cysteine, which is neutral and slightly polar, with tyrosine, which is neutral and polar, at codon 324 of the CHRM2 protein (p.Cys324Tyr). This variant is not present in population databases (gnomAD no frequency). This variant has not been reported in the literature in individuals affected with CHRM2-related conditions. An algorithm developed to predict the effect of missense changes on protein structure and function (PolyPhen-2) suggests that this variant is likely to be disruptive. In summary, the available evidence is currently insufficient to determine the role of this variant in disease. Therefore, it has been classified as a Variant of Uncertain Significance.